The following is an entry in ClinVar:

ClinVar aggregate classification (germline): Likely benign. Review status: criteria provided, single submitter (1 of 4 stars). 2 submissions from 2 submitters: Likely benign (1). 1 of the submissions does not count toward it. Last evaluated 2024-06-24.

Conditions:
KIDINS220-related disorder. Also called: KIDINS220-related condition.

Allele frequency attached by ClinVar (database versions not stated): gnomAD 0.00002; TOPMed 0.00002.

Submissions (2):

Labcorp Genetics (formerly Invitae), Labcorp
Classification: Likely benign. Last evaluated: 2024-06-24. Review status: criteria provided, single submitter. Criteria: Invitae Variant Classification Sherloc (09022015). Collection method: clinical testing. Allele origin: germline.

PreventionGenetics, part of Exact Sciences
Classification: Likely benign for KIDINS220-related condition. Last evaluated: 2023-10-23. Review status: no assertion criteria provided. Collection method: clinical testing. Allele origin: germline. Not counted in ClinVar's aggregate classification.
Comment: This variant is classified as likely benign based on ACMG/AMP sequence variant interpretation guidelines (Richards et al. 2015 PMID: 25741868, with internal and published modifications).

NM_020738.4(KIDINS220):c.4926G>T (p.Arg1642=)

Gene: KIDINS220 (kinase D interacting substrate 220; minus strand). Cytogenetic location: 2p25.1.
Variant type: single nucleotide variant.
Coding change: c.4926G>T on transcript NM_020738.4 (MANE Select); coding-DNA position 4926, G replaced by T.
Protein change: p.Arg1642=; no amino-acid change (arginine 1642 retained).
Molecular consequence: synonymous variant. On other transcripts: intron variant (6).
Genome position (GRCh38, 1-based): chr2:8,731,110, C>A on the plus strand (G>T on the coding strand, the complement: KIDINS220 is on the minus strand). VCF-style: chr2-8731110-C-A. GRCh37 (hg19) VCF-style: chr2-8871240-C-A.
Other names: c.4926G>T (NM_020738.2); c.4929G>T, p.Arg1643= (NM_001348729.2); c.4872G>T, p.Arg1624= (NM_001348731.2); c.4869G>T, p.Arg1623= (NM_001348732.2); c.4758G>T, p.Arg1586= (NM_001348734.2); c.4755G>T, p.Arg1585= (NM_001348735.2); c.4629G>T, p.Arg1543= (NM_001348736.2); c.3882+2334G>T (NM_001348741.2, NM_001348742.2, NM_001348743.2); and 2 more.
Identifiers: ClinVar variation 1401887 (VCV001401887.8), dbSNP rs781041882, ClinGen allele CA1519280.